The following is an entry in ClinVar:

NM_017534.6(MYH2):c.1008+4A>C

Genes: MYH2 (myosin heavy chain 2; minus strand), MYHAS (myosin heavy chain gene cluster antisense RNA; plus strand). Cytogenetic location: 17p13.1.
Variant type: single nucleotide variant.
Coding change: c.1008+4A>C on transcript NM_017534.6 (MANE Select); 4 bases into the intron after coding-DNA position 1008, A replaced by C.
Molecular consequence: intron variant.
Genome position (GRCh38, 1-based): chr17:10,540,590, T>G on the plus strand (A>C on the coding strand, the complement: MYH2 is on the minus strand). VCF-style: chr17-10540590-T-G. GRCh37 (hg19) VCF-style: chr17-10443907-T-G.
Other names: c.1008+4A>C (NM_001100112.2).
Identifiers: ClinVar variation 2999147 (VCV002999147.3), dbSNP rs755293552, ClinGen allele CA624878568.

ClinVar aggregate classification (germline): Uncertain significance (1 of 4 stars; one submission).

Conditions:
Myopathy, proximal, and ophthalmoplegia (CMYO6). Also called: MYOPATHY WITH CONGENITAL JOINT CONTRACTURES, OPHTHALMOPLEGIA, AND RIMMED VACUOLES; INCLUSION BODY MYOPATHY 3, AUTOSOMAL DOMINANT; CONGENITAL MYOPATHY 6 WITH OPHTHALMOPLEGIA. Identifiers: Orphanet 363677, Orphanet 79091, MedGen C1854106, MONDO:0011577, OMIM 605637.

gnomAD v4.1: 1 of 1,598,904 alleles (0.000063%); highest among the groups gnomAD compares: Admixed American, 0.0017%; no homozygotes.

Submission:

Labcorp Genetics (formerly Invitae), Labcorp
Classification: Uncertain significance for Myopathy, proximal, and ophthalmoplegia. Last evaluated: 2022-12-07. Review status: criteria provided, single submitter. Criteria: Invitae Variant Classification Sherloc (09022015). Collection method: clinical testing. Allele origin: germline.
Comment: This variant has not been reported in the literature in individuals affected with MYH2-related conditions. This variant is present in population databases (no rsID available, gnomAD 0.003%). This sequence change falls in intron 11 of the MYH2 gene. It does not directly change the encoded amino acid sequence of the MYH2 protein. It affects a nucleotide within the consensus splice site. Variants that disrupt the consensus splice site are a relatively common cause of aberrant splicing (PMID: 17576681, 9536098). Algorithms developed to predict the effect of sequence changes on RNA splicing suggest that this variant may create or strengthen a splice site. In summary, the available evidence is currently insufficient to determine the role of this variant in disease. Therefore, it has been classified as a Variant of Uncertain Significance.

Literature cited by the submitters: PubMed 17576681; PubMed 9536098.